The following is an entry in ClinVar:

ClinVar aggregate classification (germline): Benign (1 of 4 stars; one submission).

Allele frequency attached by ClinVar (database versions not stated): ExAC 0.00001; gnomAD 0.00001; gnomAD exomes 0.00001.
gnomAD v4.1: 22 of 1,595,826 alleles (0.0014%); highest among the groups gnomAD compares: Middle Eastern, 0.017%; no homozygotes.

Submission:

Women's Health and Genetics/Laboratory Corporation of America, LabCorp
Classification: Benign. Last evaluated: 2024-02-19. Review status: criteria provided, single submitter. Criteria: LabCorp Variant Classification Summary - May 2015. Collection method: clinical testing. Allele origin: germline.
Comment: Variant summary: HRAS c.-17C>T is located in the untranslated mRNA region upstream of the initiation codon. The variant allele was found at a frequency of 1.4e-05 in 1595826 control chromosomes (i.e. 22 individuals) in the gnomAD database. The observed variant frequency is approximately 3-fold of the estimated maximal expected allele frequency for a pathogenic variant in HRAS causing Costello Syndrome phenotype (5e-06), strongly suggesting that the variant is benign. To our knowledge, no occurrence of c.-17C>T in individuals affected with Costello Syndrome and no experimental evidence demonstrating its impact on protein function have been reported. No submitters have cited clinical-significance assessments for this variant to ClinVar. Based on the evidence outlined above, the variant was classified as benign.

NM_005343.4(HRAS):c.-17C>T

Genes: HRAS (HRas proto-oncogene, GTPase; minus strand), LRRC56 (leucine rich repeat containing 56; plus strand). Cytogenetic location: 11p15.5.
Variant type: single nucleotide variant.
Coding change: c.-17C>T on transcript NM_005343.4 (MANE Select); 17 bases upstream of the start codon, C replaced by T.
Molecular consequence: 5 prime UTR variant.
Genome position (GRCh38, 1-based): chr11:534,339, G>A on the plus strand (C>T on the coding strand, the complement: HRAS is on the minus strand). VCF-style: chr11-534339-G-A. GRCh37 (hg19) VCF-style: chr11-534339-G-A.
Other names: c.-17C>T (NM_001130442.3, NM_176795.5); c.-336C>T (NM_001318054.2).
Identifiers: ClinVar variation 3069045 (VCV003069045.2), dbSNP rs754890199, ClinGen allele CA5779449.
Genomic context (GRCh38, chr11:534,339, plus strand): 5'-CCCACACCGCCGGCGCCCACCACCACCAGCTTATATTCCGTCATCGCTCCTCAGGGGCCT[G>A]CGGCCCGGGGTCCTCCTACAGGGTCTCCTGCCCCACCTGCCAAGGAGGGCCCTGCTCAGC-3'